The following is an entry in ClinVar:

ClinVar aggregate classification (germline): Uncertain significance. Review status: criteria provided, multiple submitters, no conflicts (2 of 4 stars). 2 submissions from 2 submitters: Uncertain significance (2). Last evaluated 2024-12-06.

Conditions:
Inborn genetic diseases. Identifiers: MedGen C0950123, MeSH D030342.
Fanconi anemia (FA). Also called: Fanconi's anemia. Identifiers: Orphanet 84, MedGen C0015625, MeSH D005199, MONDO:0019391.

Submissions (2):

Ambry Genetics
Classification: Uncertain significance for Inborn genetic diseases. Last evaluated: 2024-12-06. Review status: criteria provided, single submitter. Criteria: Ambry Variant Classification Scheme 2023. Collection method: clinical testing. Allele origin: germline.
Comment: The p.L1143P variant (also known as c.3428T>C), located in coding exon 35 of the FANCA gene, results from a T to C substitution at nucleotide position 3428. The leucine at codon 1143 is replaced by proline, an amino acid with similar properties. This amino acid position is conserved. In addition, the in silico prediction for this alteration is inconclusive. Based on the available evidence, the clinical significance of this variant remains unclear.

Labcorp Genetics (formerly Invitae), Labcorp
Classification: Uncertain significance for Fanconi anemia. Last evaluated: 2024-05-09. Review status: criteria provided, single submitter. Criteria: Invitae Variant Classification Sherloc (09022015). Collection method: clinical testing. Allele origin: germline.
Comment: This sequence change replaces leucine, which is neutral and non-polar, with proline, which is neutral and non-polar, at codon 1143 of the FANCA protein (p.Leu1143Pro). This variant is not present in population databases (gnomAD no frequency). This variant has not been reported in the literature in individuals affected with FANCA-related conditions. Advanced modeling of protein sequence and biophysical properties (such as structural, functional, and spatial information, amino acid conservation, physicochemical variation, residue mobility, and thermodynamic stability) performed at Invitae indicates that this missense variant is not expected to disrupt FANCA protein function with a negative predictive value of 80%. In summary, the available evidence is currently insufficient to determine the role of this variant in disease. Therefore, it has been classified as a Variant of Uncertain Significance.

NM_000135.4(FANCA):c.3428T>C (p.Leu1143Pro)

Gene: FANCA (FA complementation group A; minus strand). Cytogenetic location: 16q24.3.
Variant type: single nucleotide variant.
Coding change: c.3428T>C on transcript NM_000135.4 (MANE Select); coding-DNA position 3428, T replaced by C.
Protein change: p.Leu1143Pro; replaces leucine 1143 with proline.
Molecular consequence: missense variant.
Genome position (GRCh38, 1-based): chr16:89,746,669, A>G on the plus strand (T>C on the coding strand, the complement: FANCA is on the minus strand). VCF-style: chr16-89746669-A-G. GRCh37 (hg19) VCF-style: chr16-89813077-A-G.
Other names: c.3428T>C, p.Leu1143Pro (NM_001286167.3); short protein forms L1143P.
Identifiers: ClinVar variation 2916052 (VCV002916052.4), dbSNP rs1188842855, ClinGen allele CA397485987.